The following is an entry in ClinVar:

ClinVar aggregate classification (germline): Uncertain significance (1 of 4 stars; one submission).

Conditions:
Hereditary cancer-predisposing syndrome. Also called: Neoplastic Syndromes, Hereditary; Tumor predisposition; Hereditary Cancer Syndrome; Hereditary neoplastic syndrome. Identifiers: Orphanet 140162, MedGen C0027672, MeSH D009386, MONDO:0015356.

Submission:

Ambry Genetics
Classification: Uncertain significance for Hereditary cancer-predisposing syndrome. Last evaluated: 2026-05-22. Review status: criteria provided, single submitter. Criteria: Ambry Variant Classification Scheme 2023. Collection method: clinical testing. Allele origin: germline.
Comment: The p.E396Q variant (also known as c.1186G>C), located in coding exon 8 of the CTNNA1 gene, results from a G to C substitution at nucleotide position 1186. The glutamic acid at codon 396 is replaced by glutamine, an amino acid with highly similar properties. This amino acid position is conserved. In addition, the in silico prediction for this alteration is inconclusive. Based on the available evidence, the clinical significance of this variant remains unclear.

NM_001903.5(CTNNA1):c.1186G>C (p.Glu396Gln)

Gene: CTNNA1 (catenin alpha 1; plus strand). Cytogenetic location: 5q31.2.
Variant type: single nucleotide variant.
Coding change: c.1186G>C on transcript NM_001903.5 (MANE Select); coding-DNA position 1186, G replaced by C.
Protein change: p.Glu396Gln; replaces glutamic acid 396 with glutamine.
Molecular consequence: missense variant. On other transcripts: 5 prime UTR variant (5), intron variant (2).
Genome position (GRCh38, 1-based): chr5:138,887,532, G>C. VCF-style: chr5-138887532-G-C. GRCh37 (hg19) VCF-style: chr5-138223221-G-C.
Other names: c.1186G>C, p.Glu396Gln (NM_001290307.3, NM_001323982.2, NM_001323983.1 and 3 more transcripts); c.877G>C, p.Glu293Gln (NM_001290309.3); c.817G>C, p.Glu273Gln (NM_001290310.3); c.76G>C, p.Glu26Gln (NM_001290312.1, NM_001323987.1, NM_001323988.1 and 18 more transcripts); c.-322G>C (NM_001324006.1, NM_001324007.1, NM_001324008.1 and 1 more transcripts); c.-197G>C (NM_001324013.1); c.-58+11935G>C (NM_001324012.1); c.-61+11935G>C (NM_001324010.1); short protein forms E26Q, E273Q, E293Q, E396Q.
Identifiers: ClinVar variation 4869491 (VCV004869491.1).